The following is an entry in ClinVar:

ClinVar aggregate classification (germline): Conflicting classifications of pathogenicity. Review status: criteria provided, conflicting classifications (1 of 4 stars). 5 submissions from 5 submitters: Uncertain significance (4); Likely benign (1). Last evaluated 2025-01-15.

Conditions:
Distal myopathy. Identifiers: Orphanet 599, MedGen C0751336, MONDO:0018949.

Allele frequency attached by ClinVar (database versions not stated): ExAC 0.00007; gnomAD exomes 0.00007 and 0.00012; gnomAD 0.00012 and 0.00013; TOPMed 0.00014; ESP Exome Variant Server 0.00025.
gnomAD v4.1: 192 of 1,613,720 alleles (0.012%); highest among the groups gnomAD compares: Non-Finnish European, 0.015%; no homozygotes.

Submissions (5):

Women's Health and Genetics/Laboratory Corporation of America, LabCorp
Classification: Uncertain significance. Last evaluated: 2025-01-15. Review status: criteria provided, single submitter. Criteria: LabCorp Variant Classification Summary - May 2015. Collection method: clinical testing. Allele origin: germline.
Comment: Variant summary: TTN c.11014A>G (p.Lys3672Glu) results in a conservative amino acid change located in the I band region of the encoded protein sequence. Two of three in-silico tools predict a benign effect of the variant on protein function. The variant allele was found at a frequency of 7.2e-05 in 248694 control chromosomes. This frequency is not significantly higher than estimated for a pathogenic variant in TTN causing Autosomal Recessive Titinopathy (7.2e-05 vs 0.00039), allowing no conclusion about variant significance. c.11014A>G has been reported in the literature in at-least one individual diagnosed with hypertrophic cardiomyopathy (van Lint_2019). These report(s) do not provide unequivocal conclusions about association of the variant with Autosomal Recessive Titinopathy. To our knowledge, no experimental evidence demonstrating an impact on protein function has been reported. The following publication has been ascertained in the context of this evaluation (PMID: 30847666). ClinVar contains an entry for this variant (Variation ID: 282240). Based on the evidence outlined above, the variant was classified as uncertain significance.

CeGaT Center for Human Genetics Tuebingen
Classification: Uncertain significance. Last evaluated: 2024-06-01. Review status: criteria provided, single submitter. Criteria: CeGaT Center For Human Genetics Tuebingen Variant Classification Criteria Version 2. Collection method: clinical testing. Allele origin: germline. Affected: yes. Observed: 2 variant alleles.
Comment: TTN: PM2, BP4

GeneDx
Classification: Likely benign. Last evaluated: 2023-05-04. Review status: criteria provided, single submitter. Criteria: GeneDx Variant Classification Process June 2021. Collection method: clinical testing. Allele origin: germline. Affected: yes.
Comment: See Variant Classification Assertion Criteria.

Cambridge Genomics Laboratory, East Genomic Laboratory Hub, NHS Genomic Medicine Service
Classification: Uncertain significance for Distal myopathy. Last evaluated: 2019-04-17. Review status: criteria provided, single submitter. Criteria: ACGS Best Practice Guidelines for Variant Classification in Rare Disease 2020. Collection method: clinical testing. Allele origin: germline. Affected: yes. Observed: 1 variant allele.

Eurofins Ntd Llc (ga)
Classification: Uncertain significance. Last evaluated: 2015-08-25. Review status: criteria provided, single submitter. Criteria: EGL Classification Definitions 2015. Collection method: clinical testing. Allele origin: germline. Observed: 2 variant alleles, 2 heterozygotes.

Literature cited by the submitters: PubMed 30847666 (cited by Women's Health and Genetics/Laboratory Corporation of America, LabCorp).

NM_001267550.2(TTN):c.14746A>G (p.Lys4916Glu)

Gene: TTN (titin; minus strand). Cytogenetic location: 2q31.2.
Variant type: single nucleotide variant.
Coding change: c.14746A>G on transcript NM_001267550.2 (MANE Select); coding-DNA position 14746, A replaced by G.
Protein change: p.Lys4916Glu; replaces lysine 4916 with glutamic acid.
Molecular consequence: missense variant. On other transcripts: intron variant (3).
Genome position (GRCh38, 1-based): chr2:178,735,700, T>C on the plus strand (A>G on the coding strand, the complement: TTN is on the minus strand). VCF-style: chr2-178735700-T-C. GRCh37 (hg19) VCF-style: chr2-179600427-T-C.
Other names: c.13795A>G, p.Lys4599Glu (NM_001256850.1); c.11014A>G, p.Lys3672Glu (NM_133378.4); c.13282+2382A>G (NM_003319.4); c.13858+2382A>G (NM_133437.4); c.13657+2382A>G (NM_133432.3); c.14746A>G (NM_001267550.1); short protein forms K3672E, K4599E, K4916E.
Identifiers: ClinVar variation 282240 (VCV000282240.34), dbSNP rs376597173, ClinGen allele CA2002357.